The following is an entry in ClinVar:

ClinVar aggregate classification (germline): Benign (1 of 4 stars; one submission).

Allele frequency attached by ClinVar (database versions not stated): 1000 Genomes Project 30x 0.99891; TOPMed 0.99898; gnomAD 0.99912 and 0.99918; 1000 Genomes Project 0.99920.
gnomAD v4.1: 152,115 of 152,238 alleles (100%); highest among the groups gnomAD compares: Middle Eastern, 100%; 75,996 homozygotes.

Submissions (8):

GeneDx
Classification: Benign. Last evaluated: 2018-06-14. Review status: criteria provided, single submitter. Criteria: GeneDx Variant Classification (06012015). Collection method: clinical testing. Allele origin: germline. Affected: yes.
Comment: This variant is considered likely benign or benign based on one or more of the following criteria: it is a conservative change, it occurs at a poorly conserved position in the protein, it is predicted to be benign by multiple in silico algorithms, and/or has population frequency not consistent with disease.

Dr. Peter K. Rogan Lab, Western University
No classification provided (evidence only). Condition: Sarcoma. Review status: no classification provided. Collection method: in vitro. Allele origin: not applicable. Functional consequence: retained intron. Not counted in ClinVar's aggregate classification.

Dr. Peter K. Rogan Lab, Western University
No classification provided (evidence only). Condition: Sarcoma. Review status: no classification provided. Collection method: in vitro. Allele origin: not applicable. Functional consequence: retained intron. Not counted in ClinVar's aggregate classification.

Dr. Peter K. Rogan Lab, Western University
No classification provided (evidence only). Condition: Thymoma. Review status: no classification provided. Collection method: in vitro. Allele origin: not applicable. Functional consequence: retained intron. Not counted in ClinVar's aggregate classification.

Dr. Peter K. Rogan Lab, Western University
No classification provided (evidence only). Condition: Ovarian serous cystadenocarcinoma. Review status: no classification provided. Collection method: in vitro. Allele origin: not applicable. Functional consequence: retained intron. Not counted in ClinVar's aggregate classification.

Dr. Peter K. Rogan Lab, Western University
No classification provided (evidence only). Condition: Ovarian serous cystadenocarcinoma. Review status: no classification provided. Collection method: in vitro. Allele origin: not applicable. Functional consequence: retained intron. Not counted in ClinVar's aggregate classification.

Dr. Peter K. Rogan Lab, Western University
No classification provided (evidence only). Condition: Gastric cancer. Review status: no classification provided. Collection method: in vitro. Allele origin: not applicable. Functional consequence: retained intron. Not counted in ClinVar's aggregate classification.

Dr. Peter K. Rogan Lab, Western University
No classification provided (evidence only). Condition: Malignant tumor of esophagus. Review status: no classification provided. Collection method: in vitro. Allele origin: not applicable. Functional consequence: retained intron. Not counted in ClinVar's aggregate classification.

NM_001199397.3(NEK1):c.607-290G>A

Gene: NEK1 (NIMA related kinase 1; minus strand). Cytogenetic location: 4q33.
Variant type: single nucleotide variant.
Coding change: c.607-290G>A on transcript NM_001199397.3 (MANE Select); 290 bases into the intron before coding-DNA position 607, G replaced by A.
Molecular consequence: intron variant.
Genome position (GRCh38, 1-based): chr4:169,585,839, C>T on the plus strand (G>A on the coding strand, the complement: NEK1 is on the minus strand). VCF-style: chr4-169585839-C-T. GRCh37 (hg19) VCF-style: chr4-170506990-C-T.
Other names: NC_000004.11:g.170506990C>T; c.607-290G>A (NM_001374421.1, NM_001374420.1, NM_001199399.3 and 7 more transcripts).
Identifiers: ClinVar variation 667906 (VCV000667906.2), dbSNP rs4692733, ClinGen allele CA109919897.